The following is an entry in ClinVar:

ClinVar aggregate classification (germline): Likely benign (1 of 4 stars; one submission).

Conditions:
Familial cancer of breast. Also called: hereditary breast carcinoma; Hereditary breast cancer; BREAST CANCER, FAMILIAL. Identifiers: Orphanet 227535, MedGen C0346153, MONDO:0016419, OMIM 114480. Disease mechanism: loss of function.

Submission:

Myriad Genetics, Inc.
Classification: Likely benign for Familial cancer of breast. Last evaluated: 2024-07-18. Review status: criteria provided, single submitter. Criteria: Myriad Autosomal Dominant, Autosomal Recessive and X-Linked Classification Criteria (2023). Collection method: clinical testing. Allele origin: unknown.
Comment: This variant is considered likely benign. This variant is intronic and is not expected to impact mRNA splicing.

NM_000465.4(BARD1):c.215+10T>G

Gene: BARD1 (BRCA1 associated RING domain 1; minus strand). Cytogenetic location: 2q35.
Variant type: single nucleotide variant.
Coding change: c.215+10T>G on transcript NM_000465.4 (MANE Select); 10 bases into the intron after coding-DNA position 215, T replaced by G.
Molecular consequence: intron variant.
Genome position (GRCh38, 1-based): chr2:214,797,051, A>C on the plus strand (T>G on the coding strand, the complement: BARD1 is on the minus strand). VCF-style: chr2-214797051-A-C. GRCh37 (hg19) VCF-style: chr2-215661775-A-C.
Other names: c.158+12361T>G (NM_001282548.2); c.159-4606T>G (NM_001282543.2); c.215+10T>G (NM_001282545.2, NM_001282549.2).
Identifiers: ClinVar variation 3378881 (VCV003378881.1).